The following is an entry in ClinVar:

ClinVar aggregate classification (germline): Uncertain significance (1 of 4 stars; one submission).

gnomAD v4.1: 9 of 1,558,612 alleles (0.00058%); highest among the groups gnomAD compares: Non-Finnish European, 0.00078%; no homozygotes.

Submission:

Labcorp Genetics (formerly Invitae), Labcorp
Classification: Uncertain significance. Last evaluated: 2024-12-09. Review status: criteria provided, single submitter. Criteria: Invitae Variant Classification Sherloc (09022015). Collection method: clinical testing. Allele origin: germline.
Comment: This sequence change falls in intron 31 of the DSCAML1 gene. It does not directly change the encoded amino acid sequence of the DSCAML1 protein. It affects a nucleotide within the consensus splice site. This variant is present in population databases (no rsID available, gnomAD 0.007%). This variant has not been reported in the literature in individuals affected with DSCAML1-related conditions. Variants that disrupt the consensus splice site are a relatively common cause of aberrant splicing (PMID: 17576681, 9536098). Algorithms developed to predict the effect of sequence changes on RNA splicing suggest that this variant is not likely to affect RNA splicing. In summary, the available evidence is currently insufficient to determine the role of this variant in disease. Therefore, it has been classified as a Variant of Uncertain Significance.

Literature cited by the submitters: PubMed 17576681; PubMed 9536098.

NM_020693.4(DSCAML1):c.5374+3G>A

Gene: DSCAML1 (DS cell adhesion molecule like 1; minus strand). Cytogenetic location: 11q23.3.
Variant type: single nucleotide variant.
Coding change: c.5374+3G>A on transcript NM_020693.4 (MANE Select); 3 bases into the intron after coding-DNA position 5374, G replaced by A.
Molecular consequence: intron variant.
Genome position (GRCh38, 1-based): chr11:117,431,531, C>T on the plus strand (G>A on the coding strand, the complement: DSCAML1 is on the minus strand). VCF-style: chr11-117431531-C-T. GRCh37 (hg19) VCF-style: chr11-117302247-C-T.
Identifiers: ClinVar variation 3609470 (VCV003609470.2).